The following is an entry in ClinVar:

ClinVar aggregate classification (germline): Uncertain significance (1 of 4 stars; one submission).

Submission:

GeneDx
Classification: Uncertain significance. Last evaluated: 2022-04-06. Review status: criteria provided, single submitter. Criteria: GeneDx Variant Classification Process June 2021. Collection method: clinical testing. Allele origin: germline. Affected: yes.
Comment: Not observed at significant frequency in large population cohorts (gnomAD); Missense variants in this gene are often considered pathogenic (HGMD); In silico analysis supports that this missense variant does not alter protein structure/function; Has not been previously published as pathogenic or benign to our knowledge

NM_001244710.2(GFPT1):c.961G>A (p.Gly321Arg)

Gene: GFPT1 (glutamine--fructose-6-phosphate transaminase 1; minus strand). Cytogenetic location: 2p13.3.
Variant type: single nucleotide variant.
Coding change: c.961G>A on transcript NM_001244710.2 (MANE Select); coding-DNA position 961, G replaced by A.
Protein change: p.Gly321Arg; replaces glycine 321 with arginine.
Molecular consequence: missense variant.
Genome position (GRCh38, 1-based): chr2:69,348,219, C>T on the plus strand (G>A on the coding strand, the complement: GFPT1 is on the minus strand). VCF-style: chr2-69348219-C-T. GRCh37 (hg19) VCF-style: chr2-69575351-C-T.
Other names: c.907G>A, p.Gly303Arg (NM_002056.4); short protein forms G303R, G321R.
Identifiers: ClinVar variation 1708626 (VCV001708626.2), dbSNP rs1671129123, ClinGen allele CA347127758.